The following is an entry in ClinVar:

ClinVar aggregate classification (germline): Pathogenic (1 of 4 stars; one submission).

Conditions:
Rubinstein-Taybi syndrome (RSTS). Identifiers: Orphanet 783, MedGen C0035934, MONDO:0019188.

Submission:

Labcorp Genetics (formerly Invitae), Labcorp
Classification: Pathogenic for Rubinstein-Taybi syndrome. Last evaluated: 2019-05-16. Review status: criteria provided, single submitter. Criteria: Invitae Variant Classification Sherloc (09022015). Collection method: clinical testing. Allele origin: germline.
Comment: This sequence change falls in intron 9 of the CREBBP gene. It does not directly change the encoded amino acid sequence of the CREBBP protein, but it affects a nucleotide within the consensus splice site of the intron. This variant is not present in population databases (ExAC no frequency). Nucleotide substitutions within the consensus splice site are a relatively common cause of aberrant splicing (PMID: 17576681, 9536098). Algorithms developed to predict the effect of sequence changes on RNA splicing suggest that this variant may disrupt the consensus splice site, but this prediction has not been confirmed by published transcriptional studies. For these reasons, this variant has been classified as Pathogenic.

Literature cited by the submitters: PubMed 17576681; PubMed 9536098.

NM_004380.3(CREBBP):c.1941+5G>A

Gene: CREBBP (CREB binding lysine acetyltransferase; minus strand). Cytogenetic location: 16p13.3.
Variant type: single nucleotide variant.
Coding change: c.1941+5G>A on transcript NM_004380.3 (MANE Select); 5 bases into the intron after coding-DNA position 1941, G replaced by A.
Molecular consequence: intron variant.
Genome position (GRCh38, 1-based): chr16:3,778,695, C>T on the plus strand (G>A on the coding strand, the complement: CREBBP is on the minus strand). VCF-style: chr16-3778695-C-T. GRCh37 (hg19) VCF-style: chr16-3828696-C-T.
Other names: c.1827+5G>A (NM_001079846.1).
Identifiers: ClinVar variation 852536 (VCV000852536.9), dbSNP rs2053202354, ClinGen allele CA916083479.